The following is an entry in ClinVar:

ClinVar aggregate classification (germline): Benign (1 of 4 stars; one submission).

Allele frequency attached by ClinVar (database versions not stated): gnomAD 0.05538 and 0.05675; TOPMed 0.06448; 1000 Genomes Project 30x 0.08432; 1000 Genomes Project 0.08526.
gnomAD v4.1: 8,343 of 152,252 alleles (5.5%); highest among the groups gnomAD compares: East Asian, 17%; 610 homozygotes.

Submission:

GeneDx
Classification: Benign. Last evaluated: 2018-06-18. Review status: criteria provided, single submitter. Criteria: GeneDx Variant Classification (06012015). Collection method: clinical testing. Allele origin: germline. Affected: yes.
Comment: This variant is considered likely benign or benign based on one or more of the following criteria: it is a conservative change, it occurs at a poorly conserved position in the protein, it is predicted to be benign by multiple in silico algorithms, and/or has population frequency not consistent with disease.

NM_001943.5(DSG2):c.691-276A>G

Gene: DSG2 (desmoglein 2; plus strand). Cytogenetic location: 18q12.1.
Variant type: single nucleotide variant.
Coding change: c.691-276A>G on transcript NM_001943.5 (MANE Select); 276 bases into the intron before coding-DNA position 691, A replaced by G.
Molecular consequence: intron variant.
Genome position (GRCh38, 1-based): chr18:31,524,172, A>G. VCF-style: chr18-31524172-A-G. GRCh37 (hg19) VCF-style: chr18-29104135-A-G.
Identifiers: ClinVar variation 683474 (VCV000683474.1), dbSNP rs73956201, ClinGen allele CA297731554.